The following is an entry in ClinVar:

NM_007078.3(LDB3):c.2167C>T (p.His723Tyr)

Gene: LDB3 (LIM domain binding 3; plus strand). Cytogenetic location: 10q23.2.
Variant type: single nucleotide variant.
Coding change: c.2167C>T on transcript NM_007078.3 (MANE Select); coding-DNA position 2167, C replaced by T.
Protein change: p.His723Tyr; replaces histidine 723 with tyrosine.
Molecular consequence: missense variant.
Genome position (GRCh38, 1-based): chr10:86,732,959, C>T. VCF-style: chr10-86732959-C-T. GRCh37 (hg19) VCF-style: chr10-88492716-C-T.
Other names: c.1837C>T, p.His613Tyr (NM_001080114.2); c.2182C>T, p.His728Tyr (NM_001171610.2); c.1978C>T, p.His660Tyr (NM_001368064.1, NM_001368065.1); c.2026C>T, p.His676Tyr (NM_001368066.1); short protein forms H613Y, H723Y, H660Y, H676Y, H728Y.
Identifiers: ClinVar variation 2130929 (VCV002130929.4), dbSNP rs2492882316, ClinGen allele CA377460503.

ClinVar aggregate classification (germline): Uncertain significance (1 of 4 stars; one submission).

Conditions:
Myofibrillar myopathy 4. Also called: Zaspopathy (type). Identifiers: Orphanet 98912, MedGen C4721886, MONDO:0012277, OMIM 609452.

Submission:

Labcorp Genetics (formerly Invitae), Labcorp
Classification: Uncertain significance for Myofibrillar myopathy 4. Last evaluated: 2022-06-07. Review status: criteria provided, single submitter. Criteria: Invitae Variant Classification Sherloc (09022015). Collection method: clinical testing. Allele origin: germline.
Comment: The LDB3 gene has multiple clinically relevant transcripts. This variant occurs in alternate transcript NM_007078.3, and corresponds to NM_001080116.1:c.*33585C>T in the primary transcript. This sequence change replaces histidine, which is basic and polar, with tyrosine, which is neutral and polar, at codon 723 of the LDB3 protein (p.His723Tyr). This variant is not present in population databases (gnomAD no frequency). This variant has not been reported in the literature in individuals affected with LDB3-related conditions. Experimental studies and prediction algorithms are not available or were not evaluated, and the functional significance of this variant is currently unknown. In summary, the available evidence is currently insufficient to determine the role of this variant in disease. Therefore, it has been classified as a Variant of Uncertain Significance.